The following is an entry in ClinVar:

NM_000051.4(ATM):c.6126G>A (p.Trp2042Ter)

Genes: ATM (ATM serine/threonine kinase; plus strand), C11orf65 (chromosome 11 open reading frame 65; minus strand). Cytogenetic location: 11q22.3.
Variant type: single nucleotide variant.
Coding change: c.6126G>A on transcript NM_000051.4 (MANE Select); coding-DNA position 6126, G replaced by A.
Protein change: p.Trp2042Ter; replaces tryptophan 2042 with a stop codon.
Molecular consequence: nonsense. On other transcripts: intron variant (2).
Genome position (GRCh38, 1-based): chr11:108,316,041, G>A. VCF-style: chr11-108316041-G-A. GRCh37 (hg19) VCF-style: chr11-108186768-G-A.
Other names: c.6126G>A, p.Trp2042Ter (NM_001351834.2); c.641-6970C>T (NM_001330368.2); c.*39-6970C>T (NM_001351110.2); short protein forms W2042*.
Identifiers: ClinVar variation 1426955 (VCV001426955.7), dbSNP rs2084615312, ClinGen allele CA382550451.

ClinVar aggregate classification (germline): Pathogenic (1 of 4 stars; one submission).

Conditions:
Ataxia-telangiectasia syndrome (AT). Also called: Ataxia-telangiectasia; LOUIS-BAR SYNDROME; Ataxia-telangiectasia, complementation group D; AT, COMPLEMENTATION GROUP C; ATAXIA-TELANGIECTASIA, COMPLEMENTATION GROUP A; ATAXIA-TELANGIECTASIA, FRESNO VARIANT. Identifiers: Orphanet 100, MedGen C0004135, MONDO:0008840, OMIM 208900.

Submission:

Labcorp Genetics (formerly Invitae), Labcorp
Classification: Pathogenic for Ataxia-telangiectasia syndrome. Last evaluated: 2021-07-12. Review status: criteria provided, single submitter. Criteria: Invitae Variant Classification Sherloc (09022015). Collection method: clinical testing. Allele origin: germline.
Comment: This sequence change creates a premature translational stop signal (p.Trp2042*) in the ATM gene. It is expected to result in an absent or disrupted protein product. Loss-of-function variants in ATM are known to be pathogenic (PMID: 23807571, 25614872). This variant is not present in population databases (ExAC no frequency). This variant has not been reported in the literature in individuals affected with ATM-related conditions. For these reasons, this variant has been classified as Pathogenic.

Literature cited by the submitters: PubMed 23807571; PubMed 25614872.